The following is an entry in ClinVar:

ClinVar aggregate classification (germline): Uncertain significance (1 of 4 stars; one submission).

Conditions:
Compton-North congenital myopathy (CMYO12). Identifiers: Orphanet 210163, MedGen C2675527, MONDO:0012929, OMIM 612540.

gnomAD v4.1: 2 of 1,601,240 alleles (0.00012%); no homozygotes.

Submission:

Labcorp Genetics (formerly Invitae), Labcorp
Classification: Uncertain significance for Compton-North congenital myopathy. Last evaluated: 2021-09-02. Review status: criteria provided, single submitter. Criteria: Invitae Variant Classification Sherloc (09022015). Collection method: clinical testing. Allele origin: germline.
Comment: This sequence change replaces arginine with proline at codon 143 of the CNTN1 protein (p.Arg143Pro). The arginine residue is highly conserved and there is a moderate physicochemical difference between arginine and proline. This variant is not present in population databases (ExAC no frequency). This variant has not been reported in the literature in individuals affected with CNTN1-related conditions. Advanced modeling of protein sequence and biophysical properties (such as structural, functional, and spatial information, amino acid conservation, physicochemical variation, residue mobility, and thermodynamic stability) performed at Invitae indicates that this missense variant is not expected to disrupt CNTN1 protein function. In summary, the available evidence is currently insufficient to determine the role of this variant in disease. Therefore, it has been classified as a Variant of Uncertain Significance.

NM_001843.4(CNTN1):c.428G>C (p.Arg143Pro)

Gene: CNTN1 (contactin 1; plus strand). Cytogenetic location: 12q12.
Variant type: single nucleotide variant.
Coding change: c.428G>C on transcript NM_001843.4 (MANE Select); coding-DNA position 428, G replaced by C.
Protein change: p.Arg143Pro; replaces arginine 143 with proline.
Molecular consequence: missense variant.
Genome position (GRCh38, 1-based): chr12:40,924,584, G>C. VCF-style: chr12-40924584-G-C. GRCh37 (hg19) VCF-style: chr12-41318386-G-C.
Other names: c.428G>C, p.Arg143Pro (NM_001256063.2, NM_001256064.2); c.395G>C, p.Arg132Pro (NM_175038.2); short protein forms R132P, R143P.
Identifiers: ClinVar variation 1436398 (VCV001436398.6), dbSNP rs758820625, ClinGen allele CA384422280.
Genomic context (GRCh38, chr12:40,924,584, plus strand): 5'-GTGAATGTTTCTCTTTTTTTCTTTCGTAATTAGATCTTGATCCTTTCCCACCTGAGGAAC[G>C]TCCTGAGGTCAGAGTAAAAGAAGGGAAAGGAATGGTGCTTCTCTGTGACCCCCCATACCA-3'
Protein context (NP_001834.2, residues 133-153): GYLDPFPPEE[Arg143Pro]PEVRVKEGKG